The following is an entry in ClinVar:

ClinVar aggregate classification (germline): Uncertain significance. Review status: criteria provided, multiple submitters, no conflicts (2 of 4 stars). 3 submissions from 3 submitters: Uncertain significance (3). Last evaluated 2023-11-13.

Conditions:
Emery-Dreifuss muscular dystrophy 5, autosomal dominant (EDMD5). Also called: EMERY-DREIFUSS MUSCULAR DYSTROPHY 5. Identifiers: Orphanet 261, MedGen C2751805, MONDO:0013072, OMIM 612999.

gnomAD v4.1: 3 of 1,613,374 alleles (0.00019%); highest among the groups gnomAD compares: Middle Eastern, 0.033%; no homozygotes.

Submissions (3):

Labcorp Genetics (formerly Invitae), Labcorp
Classification: Uncertain significance for Emery-Dreifuss muscular dystrophy 5, autosomal dominant. Last evaluated: 2023-11-13. Review status: criteria provided, single submitter. Criteria: Invitae Variant Classification Sherloc (09022015). Collection method: clinical testing. Allele origin: germline.
Comment: This sequence change replaces glutamine, which is neutral and polar, with histidine, which is basic and polar, at codon 824 of the SYNE2 protein (p.Gln824His). This variant also falls at the last nucleotide of exon 20, which is part of the consensus splice site for this exon. This variant is present in population databases (no rsID available, gnomAD 0.0009%). This variant has not been reported in the literature in individuals affected with SYNE2-related conditions. ClinVar contains an entry for this variant (Variation ID: 805598). An algorithm developed to predict the effect of missense changes on protein structure and function (PolyPhen-2) suggests that this variant is likely to be disruptive. Variants that disrupt the consensus splice site are a relatively common cause of aberrant splicing (PMID: 17576681, 9536098). Algorithms developed to predict the effect of sequence changes on RNA splicing suggest that this variant may disrupt the consensus splice site. In summary, the available evidence is currently insufficient to determine the role of this variant in disease. Therefore, it has been classified as a Variant of Uncertain Significance.

Revvity Omics, Revvity
Classification: Uncertain significance for Emery-Dreifuss muscular dystrophy 5, autosomal dominant. Last evaluated: 2019-02-14. Review status: criteria provided, single submitter. Criteria: ACMG Guidelines, 2015. Collection method: clinical testing. Allele origin: germline.

Athena Diagnostics
Classification: Uncertain significance. Last evaluated: 2018-10-22. Review status: criteria provided, single submitter. Criteria: Athena Diagnostics Criteria. Collection method: clinical testing. Allele origin: germline.

Literature cited by the submitters: PubMed 17576681 (cited by Labcorp Genetics (formerly Invitae), Labcorp); PubMed 9536098 (cited by Labcorp Genetics (formerly Invitae), Labcorp).

NM_182914.3(SYNE2):c.2472G>T (p.Gln824His)

Gene: SYNE2 (spectrin repeat containing nuclear envelope protein 2; plus strand). Cytogenetic location: 14q23.2.
Variant type: single nucleotide variant.
Coding change: c.2472G>T on transcript NM_182914.3 (MANE Select); coding-DNA position 2472, G replaced by T.
Protein change: p.Gln824His; replaces glutamine 824 with histidine.
Molecular consequence: missense variant.
Genome position (GRCh38, 1-based): chr14:63,990,569, G>T. VCF-style: chr14-63990569-G-T. GRCh37 (hg19) VCF-style: chr14-64457287-G-T.
Other names: c.2472G>T, p.Gln824His (NM_015180.6); short protein forms Q824H.
Identifiers: ClinVar variation 805598 (VCV000805598.9), dbSNP rs760909392, ClinGen allele CA389975195.
Genomic context (GRCh38, chr14:63,990,569, plus strand): 5'-TCAACATGTTCTCACAACTGGGCTTCAGGCAAAGATTCAAGAAGCTAAAGAGAAAGTCCA[G>T]GTCTCTCTTTAATATTCCCTATTTAGTAATTCTGTTCTCTAAAACTGAGGGGTCACTGAG-3'
Protein context (NP_878918.2, residues 814-834): AKIQEAKEKV[Gln824His]INVVKLIAAL